The following is an entry in ClinVar:

NM_014633.5(CTR9):c.1718A>G (p.Asn573Ser)

Gene: CTR9 (CTR9 component of Paf1/RNA polymerase II complex; plus strand). Cytogenetic location: 11p15.4.
Variant type: single nucleotide variant.
Coding change: c.1718A>G on transcript NM_014633.5 (MANE Select); coding-DNA position 1718, A replaced by G.
Protein change: p.Asn573Ser; replaces asparagine 573 with serine.
Molecular consequence: missense variant.
Genome position (GRCh38, 1-based): chr11:10,767,837, A>G. VCF-style: chr11-10767837-A-G. GRCh37 (hg19) VCF-style: chr11-10789384-A-G.
Other names: c.1718A>G, p.Asn573Ser (NM_001346279.2); short protein forms N573S.
Identifiers: ClinVar variation 1443080 (VCV001443080.8), dbSNP rs567272474, ClinGen allele CA5885172.
Genomic context (GRCh38, chr11:10,767,837, plus strand): 5'-TTTTCCTTCTTCATGTATGTATGTTTCAGGATCATCCAGATGCTTGGTCTTTGATTGGCA[A>G]TCTTCATTTGGCAAAACAAGAATGGGGTCCTGGGCAGAAGAAGTTTGAGAGGATATTAAA-3'
Protein context (NP_055448.1, residues 563-583): DHPDAWSLIG[Asn573Ser]LHLAKQEWGP

ClinVar aggregate classification (germline): Uncertain significance. Review status: criteria provided, multiple submitters, no conflicts (2 of 4 stars). 2 submissions from 2 submitters: Uncertain significance (2). Last evaluated 2026-10-01.

Conditions:
Predisposition to Wilms tumor.

Allele frequency attached by ClinVar (database versions not stated): gnomAD 0.00001 and 0.00002; gnomAD exomes 0.00001; ExAC 0.00002.
gnomAD v4.1: 15 of 1,614,070 alleles (0.00093%); highest among the groups gnomAD compares: Middle Eastern, 0.017%; no homozygotes.

Submissions (2):

St. Jude Molecular Pathology, St. Jude Children's Research Hospital
Classification: Uncertain significance for Predisposition to Wilms tumor. Last evaluated: 2026-10-01. Review status: criteria provided, single submitter. Criteria: St. Jude Assertion Criteria 2020. Collection method: clinical testing. Allele origin: germline.
Comment: The CTR9 c.1718A>G p.(Asn573Ser) missense change has a maximum subpopulation frequency of 0.008% in gnomAD v2.1.1. The in silico tool REVEL predicts a benign effect on protein function, but to our knowledge this prediction has not been confirmed by functional studies. To our knowledge, this variant has not been reported in individuals with Wilms tumor. I n summary, the evidence currently available is insufficient to determine the clinical significance of this variant. It has therefore been classified as of uncertain significance (VUS-Low).

Labcorp Genetics (formerly Invitae), Labcorp
Classification: Uncertain significance. Last evaluated: 2024-03-06. Review status: criteria provided, single submitter. Criteria: Invitae Variant Classification Sherloc (09022015). Collection method: clinical testing. Allele origin: germline.
Comment: This sequence change replaces asparagine, which is neutral and polar, with serine, which is neutral and polar, at codon 573 of the CTR9 protein (p.Asn573Ser). This variant is present in population databases (rs567272474, gnomAD 0.008%). This variant has not been reported in the literature in individuals affected with CTR9-related conditions. ClinVar contains an entry for this variant (Variation ID: 1443080). An algorithm developed to predict the effect of missense changes on protein structure and function (PolyPhen-2) suggests that this variant is likely to be tolerated. In summary, the available evidence is currently insufficient to determine the role of this variant in disease. Therefore, it has been classified as a Variant of Uncertain Significance.